The following is an entry in ClinVar:

ClinVar aggregate classification (germline): Likely benign. Review status: criteria provided, multiple submitters, no conflicts (2 of 4 stars). 2 submissions from 2 submitters: Likely benign (2). Last evaluated 2023-05-22.

Conditions:
Developmental and epileptic encephalopathy 94 (DEE94). Also called: Epileptic encephalopathy, childhood-onset; CHD2-Related Neurodevelopmental Disorders. Identifiers: Orphanet 1942, Orphanet 2382, MedGen C3809278, MONDO:0014150, OMIM 615369.

Allele frequency attached by ClinVar (database versions not stated): gnomAD exomes 0.00001; ExAC 0.00002.
gnomAD v4.1: 11 of 1,613,310 alleles (0.00068%); highest among the groups gnomAD compares: Admixed American, 0.0017%; no homozygotes.

Submissions (2):

Labcorp Genetics (formerly Invitae), Labcorp
Classification: Likely benign for Developmental and epileptic encephalopathy 94. Last evaluated: 2023-05-22. Review status: criteria provided, single submitter. Criteria: Invitae Variant Classification Sherloc (09022015). Collection method: clinical testing. Allele origin: germline.

GeneDx
Classification: Likely benign. Last evaluated: 2016-07-21. Review status: criteria provided, single submitter. Criteria: GeneDx Variant Classification (06012015). Collection method: clinical testing. Allele origin: germline. Affected: yes.
Comment: This variant is considered likely benign or benign based on one or more of the following criteria: it is a conservative change, it occurs at a poorly conserved position in the protein, it is predicted to be benign by multiple in silico algorithms, and/or has population frequency not consistent with disease.

NM_001271.4(CHD2):c.3591C>T (p.Ser1197=)

Gene: CHD2 (chromodomain helicase DNA binding protein 2; plus strand). Cytogenetic location: 15q26.1.
Variant type: single nucleotide variant.
Coding change: c.3591C>T on transcript NM_001271.4 (MANE Select); coding-DNA position 3591, C replaced by T.
Protein change: p.Ser1197=; no amino-acid change (serine 1197 retained).
Molecular consequence: synonymous variant.
Genome position (GRCh38, 1-based): chr15:92,992,994, C>T. VCF-style: chr15-92992994-C-T. GRCh37 (hg19) VCF-style: chr15-93536224-C-T.
Identifiers: ClinVar variation 387808 (VCV000387808.6), dbSNP rs753318183, ClinGen allele CA7748255.
Genomic context (GRCh38, chr15:92,992,994, plus strand): 5'-CCACAACAGCTGTGTGTCAGCAATGCAGGAATACGAAGAGCAGCTGAAAGAAAATGCCAG[C>T]GAGGGTAAGCGAAGTTGGCTTTAGTGAGTCTTCGCAACCTGGCACTCTTGGACTGGATTT-3'
Protein context (NP_001262.3, residues 1187-1207): EYEEQLKENA[Ser1197=]EGKGPGKRRG